The following is an entry in ClinVar:

NM_006852.6(TLK2):c.224-8A>G

Gene: TLK2 (tousled like kinase 2; plus strand). Cytogenetic location: 17q23.2.
Variant type: single nucleotide variant.
Coding change: c.224-8A>G on transcript NM_006852.6 (MANE Select); 8 bases into the intron before coding-DNA position 224, A replaced by G.
Molecular consequence: intron variant.
Genome position (GRCh38, 1-based): chr17:62,523,126, A>G. VCF-style: chr17-62523126-A-G. GRCh37 (hg19) VCF-style: chr17-60600487-A-G.
Other names: c.224-8A>G (NM_001375271.1, NM_001375270.1, NM_001375272.1 and 3 more transcripts); c.-128-8A>G (NM_001375273.1, NM_001330418.3); c.362-8A>G (NM_001375269.1).
Identifiers: ClinVar variation 2648028 (VCV002648028.24), dbSNP rs199986685, ClinGen allele CA8694621.
Genomic context (GRCh38, chr17:62,523,126, plus strand): 5'-TACATTTTAGTGAATGATGGTTTATATGTGTATTGGAAAAACTGTATTTACTTTGGTTTC[A>G]TTTTCAGGGAAAGGCACTCCTAGGGGACATAAAATTAGTGATTACTTTGAGGTAAGTTAC-3'

ClinVar aggregate classification (germline): Likely benign (1 of 4 stars; one submission).

Allele frequency attached by ClinVar (database versions not stated): ESP Exome Variant Server 0.00015; 1000 Genomes Project 30x 0.00016; 1000 Genomes Project 0.00020; gnomAD exomes 0.00022; ExAC 0.00030; gnomAD 0.00030; TOPMed 0.00045.
gnomAD v4.1: 381 of 1,588,618 alleles (0.024%); highest among the groups gnomAD compares: Middle Eastern, 0.59%; 2 homozygotes.

Submission:

CeGaT Center for Human Genetics Tuebingen
Classification: Likely benign. Last evaluated: 2024-04-01. Review status: criteria provided, single submitter. Criteria: CeGaT Center For Human Genetics Tuebingen Variant Classification Criteria Version 2. Collection method: clinical testing. Allele origin: germline. Affected: yes. Observed: 3 variant alleles.
Comment: TLK2: BP4